The following is an entry in ClinVar:

ClinVar aggregate classification (germline): Uncertain significance (1 of 4 stars; one submission).

Conditions:
Lowe syndrome (OCRL). Also called: LOWE OCULOCEREBRORENAL SYNDROME; PHOSPHATIDYLINOSITOL 4,5-BISPHOSPHATE 5-PHOSPHATASE DEFICIENCY; Oculocerebrorenal Syndrome. Identifiers: Orphanet 534, MedGen C0028860, MONDO:0010645, OMIM 309000.

Submission:

Labcorp Genetics (formerly Invitae), Labcorp
Classification: Uncertain significance for Lowe syndrome. Last evaluated: 2022-10-17. Review status: criteria provided, single submitter. Criteria: Invitae Variant Classification Sherloc (09022015). Collection method: clinical testing. Allele origin: germline.
Comment: In summary, the available evidence is currently insufficient to determine the role of this variant in disease. Therefore, it has been classified as a Variant of Uncertain Significance. This sequence change replaces histidine, which is basic and polar, with tyrosine, which is neutral and polar, at codon 61 of the OCRL protein (p.His61Tyr). This variant is not present in population databases (gnomAD no frequency). This variant has not been reported in the literature in individuals affected with OCRL-related conditions. ClinVar contains an entry for this variant (Variation ID: 1345494). Advanced modeling of protein sequence and biophysical properties (such as structural, functional, and spatial information, amino acid conservation, physicochemical variation, residue mobility, and thermodynamic stability) performed at Invitae indicates that this missense variant is not expected to disrupt OCRL protein function.

NM_000276.4(OCRL):c.181C>T (p.His61Tyr)

Gene: OCRL (OCRL inositol polyphosphate-5-phosphatase; plus strand). Cytogenetic location: Xq26.1.
Variant type: single nucleotide variant.
Coding change: c.181C>T on transcript NM_000276.4 (MANE Select); coding-DNA position 181, C replaced by T.
Protein change: p.His61Tyr; replaces histidine 61 with tyrosine.
Molecular consequence: missense variant.
Genome position (GRCh38, 1-based): chrX:129,545,019, C>T. VCF-style: chrX-129545019-C-T. GRCh37 (hg19) VCF-style: chrX-128678996-C-T.
Other names: c.184C>T, p.His62Tyr (NM_001318784.2); c.181C>T, p.His61Tyr (NM_001587.4); short protein forms H61Y, H62Y.
Identifiers: ClinVar variation 1345494 (VCV001345494.8), dbSNP rs2124388046, ClinGen allele CA414550614.